The following is an entry in ClinVar:

NM_002769.5(PRSS1):c.253G>C (p.Glu85Gln)

Genes: PRSS1 (serine protease 1; plus strand), TRB (T cell receptor beta locus; plus strand). Cytogenetic location: 7q34.
Variant type: single nucleotide variant.
Coding change: c.253G>C on transcript NM_002769.5 (MANE Select); coding-DNA position 253, G replaced by C.
Protein change: p.Glu85Gln; replaces glutamic acid 85 with glutamine.
Molecular consequence: missense variant. On other transcripts: non-coding transcript variant (2).
Genome position (GRCh38, 1-based): chr7:142,751,826, G>C. VCF-style: chr7-142751826-G-C. GRCh37 (hg19) VCF-style: chr7-142459677-G-C.
Other names: short protein forms E85Q.
Identifiers: ClinVar variation 4560636 (VCV004560636.1).
Genomic context (GRCh38, chr7:142,751,826, plus strand): 5'-CCCATCAGCCGCATCCAGGTGAGACTGGGAGAGCACAACATCGAAGTCCTGGAGGGGAAT[G>C]AGCAGTTCATCAATGCAGCCAAGATCATCCGCCACCCCCAATACGACAGGAAGACTCTGA-3'
Protein context (NP_002760.1, residues 75-95): EHNIEVLEGN[Glu85Gln]QFINAAKIIR

ClinVar aggregate classification (germline): Uncertain significance (1 of 4 stars; one submission).

Conditions:
Hereditary pancreatitis (PCTT). Also called: Hereditary chronic pancreatitis; PRSS1-Related Hereditary Pancreatitis. Identifiers: Orphanet 676, MedGen C0238339, MONDO:0008185, OMIM 167800.

Submission:

Ambry Genetics
Classification: Uncertain significance for Hereditary pancreatitis. Last evaluated: 2025-10-05. Review status: criteria provided, single submitter. Criteria: Ambry Variant Classification Scheme 2023. Collection method: clinical testing. Allele origin: germline.
Comment: The p.E85Q variant (also known as c.253G>C), located in coding exon 3 of the PRSS1 gene, results from a G to C substitution at nucleotide position 253. The glutamic acid at codon 85 is replaced by glutamine, an amino acid with highly similar properties. This amino acid position is conserved. In addition, the in silico prediction for this alteration is inconclusive. Based on the available evidence, the clinical significance of this variant remains unclear.